The following is an entry in ClinVar:

NM_001375524.1(TRRAP):c.5569A>T (p.Asn1857Tyr)

Gene: TRRAP (transformation/transcription domain associated protein; plus strand). Cytogenetic location: 7q22.1.
Variant type: single nucleotide variant.
Coding change: c.5569A>T on transcript NM_001375524.1 (MANE Select); coding-DNA position 5569, A replaced by T.
Protein change: p.Asn1857Tyr; replaces asparagine 1857 with tyrosine.
Molecular consequence: missense variant.
Genome position (GRCh38, 1-based): chr7:98,953,272, A>T. VCF-style: chr7-98953272-A-T. GRCh37 (hg19) VCF-style: chr7-98550895-A-T.
Other names: c.5548A>T, p.Asn1850Tyr (NM_001244580.2); c.5494A>T, p.Asn1832Tyr (NM_003496.4); short protein forms N1832Y, N1850Y, N1857Y.
Identifiers: ClinVar variation 4070676 (VCV004070676.1).

ClinVar aggregate classification (germline): Uncertain significance (1 of 4 stars; one submission).

Submission:

GeneDx
Classification: Uncertain significance. Last evaluated: 2025-01-14. Review status: criteria provided, single submitter. Criteria: GeneDx Variant Classification Process June 2021. Collection method: clinical testing. Allele origin: germline. Affected: yes.
Comment: Not observed at significant frequency in large population cohorts (gnomAD); In silico analysis supports that this missense variant has a deleterious effect on protein structure/function; Has not been previously published as pathogenic or benign to our knowledge